The following is an entry in ClinVar:

ClinVar aggregate classification (germline): Uncertain significance (1 of 4 stars; one submission).

Conditions:
Congenital myasthenic syndrome 20. Also called: Myasthenic syndrome, congenital, 20, presynaptic. Identifiers: MedGen C4310694, MONDO:0014939, OMIM 617143.
Neuronopathy, distal hereditary motor, type 7A. Also called: Neuronopathy, distal hereditary motor, type viia; NEURONOPATHY, DISTAL HEREDITARY MOTOR, HARDING TYPE VIIA; NEUROPATHY, DISTAL HEREDITARY MOTOR, HARDING TYPE VIIA; Neuronopathy, distal hereditary motor, autosomal dominant 7; HARPER-YOUNG MYOPATHY; HMN VIIA. Identifiers: Orphanet 139589, MedGen C1834703, MONDO:0008024, OMIM 158580.

Submission:

Labcorp Genetics (formerly Invitae), Labcorp
Classification: Uncertain significance for Neuronopathy, distal hereditary motor, type 7A; Congenital myasthenic syndrome 20. Last evaluated: 2025-06-23. Review status: criteria provided, single submitter. Criteria: Invitae Variant Classification Sherloc (09022015). Collection method: clinical testing. Allele origin: germline.
Comment: This sequence change replaces histidine, which is basic and polar, with leucine, which is neutral and non-polar, at codon 209 of the SLC5A7 protein (p.His209Leu). This variant is not present in population databases (gnomAD no frequency). This variant has not been reported in the literature in individuals affected with SLC5A7-related conditions. Invitae Evidence Modeling of protein sequence and biophysical properties (such as structural, functional, and spatial information, amino acid conservation, physicochemical variation, residue mobility, and thermodynamic stability) indicates that this missense variant is expected to disrupt SLC5A7 protein function with a positive predictive value of 80%. Algorithms developed to predict the effect of sequence changes on RNA splicing suggest that this variant may create or strengthen a splice site. In summary, the available evidence is currently insufficient to determine the role of this variant in disease. Therefore, it has been classified as a Variant of Uncertain Significance.

NM_021815.5(SLC5A7):c.626A>T (p.His209Leu)

Gene: SLC5A7 (solute carrier family 5 member 7; plus strand). Cytogenetic location: 2q12.3.
Variant type: single nucleotide variant.
Coding change: c.626A>T on transcript NM_021815.5 (MANE Select); coding-DNA position 626, A replaced by T.
Protein change: p.His209Leu; replaces histidine 209 with leucine.
Molecular consequence: missense variant. On other transcripts: intron variant (1).
Genome position (GRCh38, 1-based): chr2:108,001,925, A>T. VCF-style: chr2-108001925-A-T. GRCh37 (hg19) VCF-style: chr2-108618381-A-T.
Other names: c.626A>T, p.His209Leu (NM_001305005.3); c.311A>T, p.His104Leu (NM_001305006.3); c.-107-9A>T (NM_001305007.3); short protein forms H104L, H209L.
Identifiers: ClinVar variation 4782516 (VCV004782516.1).